The following is an entry in ClinVar:

NM_024649.5(BBS1):c.421C>T (p.Gln141Ter)

Gene: BBS1 (Bardet-Biedl syndrome 1; plus strand). Cytogenetic location: 11q13.2.
Variant type: single nucleotide variant.
Coding change: c.421C>T on transcript NM_024649.5 (MANE Select); coding-DNA position 421, C replaced by T.
Protein change: p.Gln141Ter; replaces glutamine 141 with a stop codon.
Molecular consequence: nonsense.
Genome position (GRCh38, 1-based): chr11:66,514,667, C>T. VCF-style: chr11-66514667-C-T. GRCh37 (hg19) VCF-style: chr11-66282138-C-T.
Other names: short protein forms Q141*.
Identifiers: ClinVar variation 1070846 (VCV001070846.7), dbSNP rs2134771631, ClinGen allele CA381457203.

ClinVar aggregate classification (germline): Pathogenic (1 of 4 stars; one submission).

Conditions:
Bardet-Biedl syndrome (BBS). Identifiers: Orphanet 110, MedGen C0752166, MONDO:0015229.

Submission:

Labcorp Genetics (formerly Invitae), Labcorp
Classification: Pathogenic for Bardet-Biedl syndrome. Last evaluated: 2020-10-27. Review status: criteria provided, single submitter. Criteria: Invitae Variant Classification Sherloc (09022015). Collection method: clinical testing. Allele origin: germline.
Comment: For these reasons, this variant has been classified as Pathogenic. This variant has not been reported in the literature in individuals with BBS1-related conditions. This variant is not present in population databases (ExAC no frequency). This sequence change creates a premature translational stop signal (p.Gln141*) in the BBS1 gene. It is expected to result in an absent or disrupted protein product. Loss-of-function variants in BBS1 are known to be pathogenic (PMID: 12118255).

Literature cited by the submitters: PubMed 12118255.